The following is an entry in ClinVar:

NM_014727.3(KMT2B):c.2757G>A (p.Pro919=)

Gene: KMT2B (lysine methyltransferase 2B; plus strand). Cytogenetic location: 19q13.12.
Variant type: single nucleotide variant.
Coding change: c.2757G>A on transcript NM_014727.3 (MANE Select); coding-DNA position 2757, G replaced by A.
Protein change: p.Pro919=; no amino-acid change (proline 919 retained).
Molecular consequence: synonymous variant.
Genome position (GRCh38, 1-based): chr19:35,723,029, G>A. VCF-style: chr19-35723029-G-A. GRCh37 (hg19) VCF-style: chr19-36213931-G-A.
Identifiers: ClinVar variation 1636574 (VCV001636574.22), dbSNP rs767059945, ClinGen allele CA9384567.
Genomic context (GRCh38, chr19:35,723,029, plus strand): 5'-CCCCTCCTCCCTGCCTGCTGCAATAGATACATCATCGGCGTCCGAGACTGAGAGTGTCCC[G>A]TCACGGTCCCGGCGGGGAAAGGTGGAGGCAGCAGGCCCTGGGGGAGAATCAGAGCCCACA-3'
Protein context (NP_055542.1, residues 909-929): TSSASETESV[Pro919=]SRSRRGKVEA

ClinVar aggregate classification (germline): Likely benign. Review status: criteria provided, multiple submitters, no conflicts (2 of 4 stars). 2 submissions from 2 submitters: Likely benign (2). Last evaluated 2026-06-01.

Allele frequency attached by ClinVar (database versions not stated): gnomAD 0.00001; gnomAD exomes 0.00002 and 0.00004; ExAC 0.00007.
gnomAD v4.1: 31 of 1,610,690 alleles (0.0019%); highest among the groups gnomAD compares: Non-Finnish European, 0.0023%; no homozygotes.

Submissions (2):

CeGaT Center for Human Genetics Tuebingen
Classification: Likely benign. Last evaluated: 2026-06-01. Review status: criteria provided, single submitter. Criteria: CeGaT Center For Human Genetics Tuebingen Variant Classification Criteria Version 2. Collection method: clinical testing. Allele origin: germline. Affected: yes. Observed: 2 variant alleles.
Comment: KMT2B: BP4, BP7

Labcorp Genetics (formerly Invitae), Labcorp
Classification: Likely benign. Last evaluated: 2025-06-09. Review status: criteria provided, single submitter. Criteria: Invitae Variant Classification Sherloc (09022015). Collection method: clinical testing. Allele origin: germline.